The following is an entry in ClinVar:

ClinVar aggregate classification (germline): Uncertain significance (1 of 4 stars; one submission).

Conditions:
GNAS-related disorder. Identifiers: MedGen CN380105.

Submission:

PreventionGenetics, part of Exact Sciences
Classification: Uncertain significance for GNAS-related condition. Last evaluated: 2026-02-03. Review status: criteria provided, single submitter. Criteria: ACMG Guidelines, 2015. Collection method: clinical testing. Allele origin: germline.
Comment: The GNAS c.75G>C variant is predicted to result in the amino acid substitution p.Lys25Asn. To our knowledge, this variant has not been reported in the literature or in a large population database (gnomAD), indicating this variant is rare. At this time, the clinical significance of this variant is uncertain due to the absence of conclusive functional and genetic evidence.

NM_000516.7(GNAS):c.75G>C (p.Lys25Asn)

Gene: GNAS (GNAS complex locus; plus strand). Cytogenetic location: 20q13.32.
Variant type: single nucleotide variant.
Coding change: c.75G>C on transcript NM_000516.7 (MANE Select); coding-DNA position 75, G replaced by C.
Protein change: p.Lys25Asn; replaces lysine 25 with asparagine.
Molecular consequence: missense variant. On other transcripts: intron variant (11).
Genome position (GRCh38, 1-based): chr20:58,891,801, G>C. VCF-style: chr20-58891801-G-C. GRCh37 (hg19) VCF-style: chr20-57466856-G-C.
Other names: c.75G>C, p.Lys25Asn (NM_001077488.5, NM_001077489.4, NM_001309842.2 and 1 more transcripts); c.*43-3811G>C (NM_016592.5); c.44-3811G>C (NM_001410912.1); c.-38-3811G>C (NM_001309861.2); c.*1-3811G>C (NM_001077490.3); c.2069-3811G>C (NM_080425.4, NM_001410913.1); c.*159-3811G>C (NM_001309883.1); c.-39+2448G>C (NM_001438273.1, NM_001309840.2); and 1 more; short protein forms K25N.
Identifiers: ClinVar variation 4994342 (VCV004994342.1).